The following is an entry in ClinVar:

ClinVar aggregate classification (germline): Benign/Likely benign. Review status: criteria provided, multiple submitters, no conflicts (2 of 4 stars). 4 submissions from 4 submitters: Benign (1); Likely benign (2). 1 of the submissions does not count toward it. Last evaluated 2025-04-07.

Conditions:
Hereditary cancer-predisposing syndrome. Also called: Hereditary Cancer Syndrome; Neoplastic Syndromes, Hereditary; Tumor predisposition; Hereditary neoplastic syndrome. Identifiers: Orphanet 140162, MedGen C0027672, MeSH D009386, MONDO:0015356.
BAP1-related tumor predisposition syndrome (TPDS1). Also called: BAP1 tumor predisposition syndrome; COMMON Syndrome; TUMOR PREDISPOSITION SYNDROME 1; Tumor susceptibility linked to germline BAP1 mutations. Identifiers: Orphanet 289539, MedGen C3280492, MONDO:0013692, OMIM 614327.
BAP1-related disorder. Also called: BAP1-related condition.

Submissions (4):

Labcorp Genetics (formerly Invitae), Labcorp
Classification: Likely benign for BAP1-related tumor predisposition syndrome. Last evaluated: 2025-04-07. Review status: criteria provided, single submitter. Criteria: Invitae Variant Classification Sherloc (09022015). Collection method: clinical testing. Allele origin: germline.

Myriad Genetics, Inc.
Classification: Benign for BAP1-related tumor predisposition syndrome. Last evaluated: 2024-07-16. Review status: criteria provided, single submitter. Criteria: Myriad Autosomal Dominant, Autosomal Recessive and X-Linked Classification Criteria (2023). Collection method: clinical testing. Allele origin: unknown.
Comment: This variant is considered benign. This variant is a silent/synonymous amino acid change and it is not expected to impact splicing.

Ambry Genetics
Classification: Likely benign for Hereditary cancer-predisposing syndrome. Last evaluated: 2023-05-10. Review status: criteria provided, single submitter. Criteria: Ambry Variant Classification Scheme 2023. Collection method: clinical testing. Allele origin: germline.

PreventionGenetics, part of Exact Sciences
Classification: Likely benign for BAP1-related condition. Last evaluated: 2023-02-01. Review status: no assertion criteria provided. Collection method: clinical testing. Allele origin: germline. Not counted in ClinVar's aggregate classification.
Comment: This variant is classified as likely benign based on ACMG/AMP sequence variant interpretation guidelines (Richards et al. 2015 PMID: 25741868, with internal and published modifications).

NM_004656.4(BAP1):c.1410G>T (p.Gly470=)

Gene: BAP1 (BRCA1 associated deubiquitinase 1; minus strand). Cytogenetic location: 3p21.1.
Variant type: single nucleotide variant.
Coding change: c.1410G>T on transcript NM_004656.4 (MANE Select); coding-DNA position 1410, G replaced by T.
Protein change: p.Gly470=; no amino-acid change (glycine 470 retained).
Molecular consequence: synonymous variant.
Genome position (GRCh38, 1-based): chr3:52,403,735, C>A on the plus strand (G>T on the coding strand, the complement: BAP1 is on the minus strand). VCF-style: chr3-52403735-C-A. GRCh37 (hg19) VCF-style: chr3-52437751-C-A.
Other names: c.1410G>T (NM_004656.3).
Identifiers: ClinVar variation 1085458 (VCV001085458.13), dbSNP rs764923860, ClinGen allele CA74740832.
Genomic context (GRCh38, chr3:52,403,735, plus strand): 5'-ATTGCTGGGGGTGGGTGAGGGCTGCGAGTGTGTGGGCACTGCCACAGCCGGACTCCCAGC[C>A]CCGCTGCTAGTCTTGATGGACAGAGGAATTGAGAGGTCCTTCTGGGACTCTTTGAGCTTC-3'
Protein context (NP_004647.1, residues 460-480): SIPLSIKTSS[Gly470=]AGSPAVAVPT